The following is an entry in ClinVar:

NM_015512.5(DNAH1):c.10228G>C (p.Glu3410Gln)

Gene: DNAH1 (dynein axonemal heavy chain 1; plus strand). Cytogenetic location: 3p21.1.
Variant type: single nucleotide variant.
Coding change: c.10228G>C on transcript NM_015512.5 (MANE Select); coding-DNA position 10228, G replaced by C.
Protein change: p.Glu3410Gln; replaces glutamic acid 3410 with glutamine.
Molecular consequence: missense variant.
Genome position (GRCh38, 1-based): chr3:52,392,639, G>C. VCF-style: chr3-52392639-G-C. GRCh37 (hg19) VCF-style: chr3-52426655-G-C.
Other names: short protein forms E3410Q.
Identifiers: ClinVar variation 576361 (VCV000576361.1), dbSNP rs756718622, ClinGen allele CA74783018.

ClinVar aggregate classification (germline): Uncertain significance (1 of 4 stars; one submission).

Conditions:
Ciliary dyskinesia, primary, 37 (CILD37). Also called: CILIARY DYSKINESIA, PRIMARY, 37, WITH OR WITHOUT SITUS INVERSUS. Identifiers: MedGen C4539798, MONDO:0033204, OMIM 617577.
Spermatogenic failure 18. Identifiers: MedGen C4539783, MONDO:0054615, OMIM 617576.

Allele frequency attached by ClinVar (database versions not stated): gnomAD 0.00001; TOPMed 0.00001; gnomAD exomes 0.00002.
gnomAD v4.1: 27 of 1,612,010 alleles (0.0017%); highest among the groups gnomAD compares: Non-Finnish European, 0.0023%; no homozygotes.

Submission:

Labcorp Genetics (formerly Invitae), Labcorp
Classification: Uncertain significance for Ciliary dyskinesia, primary, 37; Spermatogenic failure 18. Last evaluated: 2018-02-14. Review status: criteria provided, single submitter. Criteria: Invitae Variant Classification Sherloc (09022015). Collection method: clinical testing. Allele origin: germline.
Comment: This sequence change replaces glutamic acid with glutamine at codon 3410 of the DNAH1 protein (p.Glu3410Gln). The glutamic acid residue is highly conserved and there is a small physicochemical difference between glutamic acid and glutamine. This variant is not present in population databases (ExAC no frequency). This variant has not been reported in the literature in individuals with DNAH1-related disease. Algorithms developed to predict the effect of missense changes on protein structure and function do not agree on the potential impact of this missense change (SIFT: "Deleterious"; PolyPhen-2: "Possibly Damaging"; Align-GVGD: "Class C0"). In summary, the available evidence is currently insufficient to determine the role of this variant in disease. Therefore, it has been classified as a Variant of Uncertain Significance.